The following is an entry in ClinVar:

ClinVar aggregate classification (germline): Likely benign (1 of 4 stars; one submission).

Allele frequency attached by ClinVar (database versions not stated): gnomAD 0.00001; gnomAD exomes 0.00001; TOPMed 0.00001 and below 0.00001; ExAC 0.00001.
gnomAD v4.1: 1 of 1,204,057 alleles (0.000083%); highest among the groups gnomAD compares: African/African-American, 0.0017%; no homozygotes.

Submission:

GeneDx
Classification: Likely benign. Last evaluated: 2016-10-06. Review status: criteria provided, single submitter. Criteria: GeneDx Variant Classification (06012015). Collection method: clinical testing. Allele origin: germline. Affected: yes.
Comment: This variant is considered likely benign or benign based on one or more of the following criteria: it is a conservative change, it occurs at a poorly conserved position in the protein, it is predicted to be benign by multiple in silico algorithms, and/or has population frequency not consistent with disease.

NM_001110556.2(FLNA):c.987+6G>A

Gene: FLNA (filamin A; minus strand). Cytogenetic location: Xq28.
Variant type: single nucleotide variant.
Coding change: c.987+6G>A on transcript NM_001110556.2 (MANE Select); 6 bases into the intron after coding-DNA position 987, G replaced by A.
Molecular consequence: intron variant.
Genome position (GRCh38, 1-based): chrX:154,366,726, C>T on the plus strand (G>A on the coding strand, the complement: FLNA is on the minus strand). VCF-style: chrX-154366726-C-T. GRCh37 (hg19) VCF-style: chrX-153595094-C-T.
Other names: c.987+6G>A (NM_001456.4).
Identifiers: ClinVar variation 377880 (VCV000377880.1), dbSNP rs782094174, ClinGen allele CA10561317.